The following is an entry in ClinVar:

ClinVar aggregate classification (germline): Uncertain significance (1 of 4 stars; one submission).

Submission:

Labcorp Genetics (formerly Invitae), Labcorp
Classification: Uncertain significance. Last evaluated: 2023-07-21. Review status: criteria provided, single submitter. Criteria: Invitae Variant Classification Sherloc (09022015). Collection method: clinical testing. Allele origin: germline.
Comment: This sequence change replaces cysteine, which is neutral and slightly polar, with serine, which is neutral and polar, at codon 1029 of the SUCO protein (p.Cys1029Ser). This variant is not present in population databases (gnomAD no frequency). This variant has not been reported in the literature in individuals affected with SUCO-related conditions. ClinVar contains an entry for this variant (Variation ID: 1973020). An algorithm developed to predict the effect of missense changes on protein structure and function (PolyPhen-2) suggests that this variant is likely to be disruptive. In summary, the available evidence is currently insufficient to determine the role of this variant in disease. Therefore, it has been classified as a Variant of Uncertain Significance.

NM_014283.5(SUCO):c.3086G>C (p.Cys1029Ser)

Gene: SUCO (SUN domain containing ossification factor; plus strand). Cytogenetic location: 1q24.3.
Variant type: single nucleotide variant.
Coding change: c.3086G>C on transcript NM_014283.5 (MANE Select); coding-DNA position 3086, G replaced by C.
Protein change: p.Cys1029Ser; replaces cysteine 1029 with serine.
Molecular consequence: missense variant.
Genome position (GRCh38, 1-based): chr1:172,602,131, G>C. VCF-style: chr1-172602131-G-C. GRCh37 (hg19) VCF-style: chr1-172571271-G-C.
Other names: c.1973G>C, p.Cys658Ser (NM_001282750.2); c.1397G>C, p.Cys466Ser (NM_001282751.2); c.3539G>C, p.Cys1180Ser (NM_016227.4); short protein forms C1180S, C466S, C658S, C1029S.
Identifiers: ClinVar variation 1973020 (VCV001973020.5), dbSNP rs923022786, ClinGen allele CA343748695.